The following is an entry in ClinVar:

ClinVar aggregate classification (germline): Pathogenic (1 of 4 stars; one submission).

Conditions:
Nemaline myopathy 2 (NEM2). Also called: Nemaline myopathy 2, autosomal recessive. Identifiers: MedGen C1850569, MONDO:0009725, OMIM 256030.

gnomAD v4.1: 1 of 1,598,594 alleles (0.000063%); highest among the groups gnomAD compares: Non-Finnish European, 0.000085%; no homozygotes.

Submission:

Myriad Genetics, Inc.
Classification: Pathogenic for Nemaline myopathy 2. Last evaluated: 2026-05-03. Review status: criteria provided, single submitter. Criteria: Myriad Autosomal Dominant, Autosomal Recessive and X-Linked Classification Criteria (2023). Collection method: clinical testing. Allele origin: unknown.
Comment: NM_001271208.1(NEB):c.2278C>T(Q760*) is expected to be pathogenic in the context of NEB-related nemaline myopathy. This variant is predicted to lead to an abnormal or absent protein product due to the creation of a premature termination codon in NEB, a gene where loss-of-function variants are known to be pathogenic. Please note: this variant was assessed in the context of healthy population screening.

NM_001164508.2(NEB):c.2278C>T (p.Gln760Ter)

Gene: NEB (nebulin; minus strand). Cytogenetic location: 2q23.3.
Variant type: single nucleotide variant.
Coding change: c.2278C>T on transcript NM_001164508.2 (MANE Select); coding-DNA position 2278, C replaced by T.
Protein change: p.Gln760Ter; replaces glutamine 760 with a stop codon.
Molecular consequence: nonsense.
Genome position (GRCh38, 1-based): chr2:151,690,759, G>A on the plus strand (C>T on the coding strand, the complement: NEB is on the minus strand). VCF-style: chr2-151690759-G-A. GRCh37 (hg19) VCF-style: chr2-152547273-G-A.
Other names: c.2278C>T, p.Gln760Ter (NM_001164507.2, NM_001271208.2, NM_004543.5); short protein forms Q760*.
Identifiers: ClinVar variation 5015862 (VCV005015862.1).
Genomic context (GRCh38, chr2:151,690,759, plus strand): 5'-CCACGCTTGCATAAATCAAAGCACTTACATCACTAAGCTGTTTCGTGTTGAGCTGGGCTT[G>A]CAACAGTACAGGAGAATCAGTGACTGCCGTGAATTTGGTCTTATCTGGATGAACTTTGTA-3'